The following is an entry in ClinVar:

NM_206933.4(USH2A):c.12185T>A (p.Leu4062Ter)

Gene: USH2A (usherin; minus strand). Cytogenetic location: 1q41.
Variant type: single nucleotide variant.
Coding change: c.12185T>A on transcript NM_206933.4 (MANE Select); coding-DNA position 12185, T replaced by A.
Protein change: p.Leu4062Ter; replaces leucine 4062 with a stop codon.
Molecular consequence: nonsense.
Genome position (GRCh38, 1-based): chr1:215,680,258, A>T on the plus strand (T>A on the coding strand, the complement: USH2A is on the minus strand). VCF-style: chr1-215680258-A-T. GRCh37 (hg19) VCF-style: chr1-215853600-A-T.
Other names: short protein forms L4062*.
Identifiers: ClinVar variation 5015876 (VCV005015876.1).

ClinVar aggregate classification (germline): Pathogenic (1 of 4 stars; one submission).

Conditions:
USH2A-related disorder. Also called: USH2A-related condition; USH2A-related disorders. Identifiers: MedGen CN239332.

Submission:

Myriad Genetics, Inc.
Classification: Pathogenic for USH2A-related disorder. Last evaluated: 2026-05-05. Review status: criteria provided, single submitter. Criteria: Myriad Autosomal Dominant, Autosomal Recessive and X-Linked Classification Criteria (2023). Collection method: clinical testing. Allele origin: unknown.
Comment: NM_206933.2(USH2A):c.12185T>A(L4062*) is expected to be pathogenic in the context of USH2A-related disorders. This variant is predicted to lead to an abnormal or absent protein product due to the creation of a premature termination codon in USH2A, a gene where loss-of-function variants are known to be pathogenic. Please note: this variant was assessed in the context of healthy population screening.